The following is an entry in ClinVar:

NM_153704.6(TMEM67):c.1861-1G>A

Gene: TMEM67 (transmembrane protein 67; plus strand). Cytogenetic location: 8q22.1.
Variant type: single nucleotide variant.
Coding change: c.1861-1G>A on transcript NM_153704.6 (MANE Select); the canonical splice acceptor site of the intron before coding-DNA position 1861, G replaced by A.
Molecular consequence: splice acceptor variant.
Genome position (GRCh38, 1-based): chr8:93,797,133, G>A. VCF-style: chr8-93797133-G-A. GRCh37 (hg19) VCF-style: chr8-94809361-G-A.
Other names: c.1618-1G>A (NM_001142301.1).
Identifiers: ClinVar variation 2938735 (VCV002938735.3), dbSNP rs2536903110, ClinGen allele CA371693149.
Genomic context (GRCh38, chr8:93,797,133, plus strand): 5'-GTTTTATAAGCAGACTTAACGCTGGTACTTTTTCAGGTGTTTTATTATATGTCATTCTCA[G>A]GCACTACAATTTTTGCATAAGCTCATATCCCAGATTACAATAGATGTATTCTTTATTGAT-3'

ClinVar aggregate classification (germline): Likely pathogenic (1 of 4 stars; one submission).

Conditions:
Joubert syndrome. Also called: CEREBELLOPARENCHYMAL DISORDER IV; JOUBERT-BOLTSHAUSER SYNDROME; Familial aplasia of the vermis. Identifiers: Orphanet 475, MedGen C5979921, MONDO:0018772.
Meckel-Gruber syndrome. Also called: DYSENCEPHALIA SPLANCHNOCYSTICA; GRUBER SYNDROME; Dysencephalia splachnocystica. Identifiers: Orphanet 564, MedGen C0265215, MONDO:0018921.

Allele frequency attached by ClinVar (database versions not stated): gnomAD exomes below 0.00001.
gnomAD v4.1: 1 of 1,581,810 alleles (0.000063%); highest among the groups gnomAD compares: South Asian, 0.0011%; no homozygotes.

Submission:

Labcorp Genetics (formerly Invitae), Labcorp
Classification: Likely pathogenic for Joubert syndrome; Meckel-Gruber syndrome. Last evaluated: 2023-01-11. Review status: criteria provided, single submitter. Criteria: Invitae Variant Classification Sherloc (09022015). Collection method: clinical testing. Allele origin: germline.
Comment: This sequence change affects an acceptor splice site in intron 18 of the TMEM67 gene. It is expected to disrupt RNA splicing. Variants that disrupt the donor or acceptor splice site typically lead to a loss of protein function (PMID: 16199547), and loss-of-function variants in TMEM67 are known to be pathogenic (PMID: 20232449, 23559409). This variant is not present in population databases (gnomAD no frequency). This variant has not been reported in the literature in individuals affected with TMEM67-related conditions. Algorithms developed to predict the effect of sequence changes on RNA splicing suggest that this variant may create or strengthen a splice site. In summary, the currently available evidence indicates that the variant is pathogenic, but additional data are needed to prove that conclusively. Therefore, this variant has been classified as Likely Pathogenic.

Literature cited by the submitters: PubMed 16199547; PubMed 20232449; PubMed 23559409.